The following is an entry in ClinVar:

NM_000603.5(NOS3):c.3106+11G>T

Genes: ATG9B (autophagy related 9B; minus strand), NOS3 (nitric oxide synthase 3; plus strand). Cytogenetic location: 7q36.1.
Variant type: single nucleotide variant.
Coding change: c.3106+11G>T on transcript NM_000603.5 (MANE Select); 11 bases into the intron after coding-DNA position 3106, G replaced by T.
Molecular consequence: intron variant. On other transcripts: non-coding transcript variant (2).
Genome position (GRCh38, 1-based): chr7:151,012,483, G>T. VCF-style: chr7-151012483-G-T. GRCh37 (hg19) VCF-style: chr7-150709571-G-T.
Identifiers: ClinVar variation 403251 (VCV000403251.8), dbSNP rs7830, ClinGen allele CA4567585.

ClinVar aggregate classification (germline): Benign. Review status: criteria provided, multiple submitters, no conflicts (2 of 4 stars). 3 submissions from 3 submitters: Benign (3). Last evaluated 2021-05-13.

Allele frequency attached by ClinVar (database versions not stated): ESP Exome Variant Server 0.28845; gnomAD 0.32144 and 0.32679; TOPMed 0.32763; gnomAD exomes 0.35026 and 0.38045; 1000 Genomes Project 30x 0.36102; 1000 Genomes Project 0.36182; ExAC 0.37790.
gnomAD v4.1: 558,650 of 1,607,052 alleles (35%); highest among the groups gnomAD compares: Admixed American, 55%; 100,372 homozygotes.

Submissions (4):

GeneDx
Classification: Benign. Last evaluated: 2021-05-13. Review status: criteria provided, single submitter. Criteria: GeneDx Variant Classification Process June 2021. Collection method: clinical testing. Allele origin: germline. Affected: yes.

Laboratory for Molecular Medicine, Mass General Brigham Personalized Medicine
Classification: Benign. Last evaluated: 2016-03-28. Review status: criteria provided, single submitter. Criteria: LMM Criteria. Collection method: clinical testing. Allele origin: germline.
Comment: Variant identified in a genome or exome case(s) and assessed due to predicted null impact of the variant or pathogenic assertions in the literature or databases. Disclaimer: This variant has not undergone full assessment. The following are preliminary notes: Frequency

Breakthrough Genomics
Classification: Benign. Review status: criteria provided, single submitter. Criteria: ACMG Guidelines, 2015. Collection method: not provided. Allele origin: germline. Inheritance: Autosomal dominant inheritance. Affected: yes.

Dr. Peter K. Rogan Lab, Western University
No classification provided (evidence only). Condition: Familial cancer of breast. Review status: no classification provided. Collection method: in vitro. Allele origin: not applicable. Functional consequence: retained intron. Not counted in ClinVar's aggregate classification.